The following is an entry in ClinVar:

NM_016341.4(PLCE1):c.6133-54G>T

Genes: NOC3L (NOC3 like DNA replication regulator; minus strand), PLCE1 (phospholipase C epsilon 1; plus strand). Cytogenetic location: 10q23.33.
Variant type: single nucleotide variant.
Coding change: c.6133-54G>T on transcript NM_016341.4 (MANE Select); 54 bases into the intron before coding-DNA position 6133, G replaced by T.
Molecular consequence: intron variant.
Genome position (GRCh38, 1-based): chr10:94,316,493, G>T. VCF-style: chr10-94316493-G-T. GRCh37 (hg19) VCF-style: chr10-96076250-G-T.
Other names: c.6085-54G>T (NM_001288989.2); c.5209-54G>T (NM_001165979.2).
Identifiers: ClinVar variation 1706910 (VCV001706910.2), dbSNP rs185270396, ClinGen allele CA211611730.

ClinVar aggregate classification (germline): Likely benign (1 of 4 stars; one submission).

Allele frequency attached by ClinVar (database versions not stated): 1000 Genomes Project 0.00339; 1000 Genomes Project 30x 0.00359.
gnomAD v4.1: 886 of 1,123,460 alleles (0.079%); highest among the groups gnomAD compares: African/African-American, 1.3%; no homozygotes.

Submission:

GeneDx
Classification: Likely benign. Last evaluated: 2021-05-25. Review status: criteria provided, single submitter. Criteria: GeneDx Variant Classification Process June 2021. Collection method: clinical testing. Allele origin: germline. Affected: yes.
Comment: See Variant Classification Assertion Criteria.